The following is an entry in ClinVar:

NM_001376.5(DYNC1H1):c.12774C>T (p.Asn4258=)

Gene: DYNC1H1 (dynein cytoplasmic 1 heavy chain 1; plus strand). Cytogenetic location: 14q32.31.
Variant type: single nucleotide variant.
Coding change: c.12774C>T on transcript NM_001376.5 (MANE Select); coding-DNA position 12774, C replaced by T.
Protein change: p.Asn4258=; no amino-acid change (asparagine 4258 retained).
Molecular consequence: synonymous variant.
Genome position (GRCh38, 1-based): chr14:102,044,363, C>T. VCF-style: chr14-102044363-C-T. GRCh37 (hg19) VCF-style: chr14-102510700-C-T.
Identifiers: ClinVar variation 377821 (VCV000377821.20), dbSNP rs17512877, ClinGen allele CA7354033.

ClinVar aggregate classification (germline): Benign/Likely benign. Review status: criteria provided, multiple submitters, no conflicts (2 of 4 stars). 6 submissions from 6 submitters: Benign (3); Likely benign (3). Last evaluated 2026-10-01.

Conditions:
Charcot-Marie-Tooth disease axonal type 2O. Also called: Charcot-Marie-Tooth Neuropathy Type 2O; Charcot-Marie-Tooth disease, axonal, type 20; CHARCOT-MARIE-TOOTH NEUROPATHY, AXONAL, TYPE 2O; CHARCOT-MARIE-TOOTH DISEASE, AXONAL, AUTOSOMAL DOMINANT, TYPE 2O. Identifiers: Orphanet 284232, MedGen C3280220, MONDO:0013644, OMIM 614228.
Inborn genetic diseases. Identifiers: MedGen C0950123, MeSH D030342.

Allele frequency attached by ClinVar (database versions not stated): gnomAD exomes 0.00011 and 0.00027; ExAC 0.00029; gnomAD 0.00104 and 0.00110; 1000 Genomes Project 30x 0.00109; TOPMed 0.00119; 1000 Genomes Project 0.00120; ESP Exome Variant Server 0.00123.

Submissions (6):

CeGaT Center for Human Genetics Tuebingen
Classification: Likely benign. Last evaluated: 2026-10-01. Review status: criteria provided, single submitter. Criteria: CeGaT Center For Human Genetics Tuebingen Variant Classification Criteria Version 2. Collection method: clinical testing. Allele origin: germline. Affected: yes. Observed: 1 variant allele.
Comment: DYNC1H1: BP4, BP7, BS1

Labcorp Genetics (formerly Invitae), Labcorp
Classification: Benign for Charcot-Marie-Tooth disease axonal type 2O. Last evaluated: 2026-01-26. Review status: criteria provided, single submitter. Criteria: Invitae Variant Classification Sherloc (09022015). Collection method: clinical testing. Allele origin: germline.

Blueprint Genetics
Classification: Likely benign. Last evaluated: 2024-09-02. Review status: criteria provided, single submitter. Criteria: ACMG Guidelines, 2015. Collection method: clinical testing. Allele origin: germline.

GeneDx
Classification: Benign. Last evaluated: 2019-02-18. Review status: criteria provided, single submitter. Criteria: GeneDx Variant Classification Process June 2021. Collection method: clinical testing. Allele origin: germline. Affected: yes.

Ambry Genetics
Classification: Likely benign for Inborn genetic diseases. Last evaluated: 2018-06-22. Review status: criteria provided, single submitter. Criteria: Ambry Variant Classification Scheme 2023. Collection method: clinical testing. Allele origin: germline.

Breakthrough Genomics
Classification: Benign. Review status: criteria provided, single submitter. Criteria: ACMG Guidelines, 2015. Collection method: not provided. Allele origin: germline. Inheritance: Autosomal dominant inheritance. Affected: yes.